The following is an entry in ClinVar:

NM_001329943.3(KIAA0586):c.3704C>T (p.Thr1235Ile)

Gene: KIAA0586 (KIAA0586; plus strand). Cytogenetic location: 14q23.1.
Variant type: single nucleotide variant.
Coding change: c.3704C>T on transcript NM_001329943.3 (MANE Select); coding-DNA position 3704, C replaced by T.
Protein change: p.Thr1235Ile; replaces threonine 1235 with isoleucine.
Molecular consequence: missense variant.
Genome position (GRCh38, 1-based): chr14:58,488,797, C>T. VCF-style: chr14-58488797-C-T. GRCh37 (hg19) VCF-style: chr14-58955515-C-T.
Other names: c.3863C>T, p.Thr1288Ile (NM_001244189.2); c.3659C>T, p.Thr1220Ile (NM_001244190.2); c.3449C>T, p.Thr1150Ile (NM_001244191.2, NM_001329945.2, NM_001364700.1 and 1 more transcripts); c.3572C>T, p.Thr1191Ile (NM_001244192.2); c.3284C>T, p.Thr1095Ile (NM_001244193.2); c.3704C>T, p.Thr1235Ile (NM_001329944.2, NM_001329946.2, NM_001329947.2); c.3476C>T, p.Thr1159Ile (NM_014749.5); short protein forms T1150I, T1220I, T1235I, T1159I, T1191I, T1288I, T1095I.
Identifiers: ClinVar variation 1984219 (VCV001984219.1), dbSNP rs777311587, ClinGen allele CA7206238.

ClinVar aggregate classification (germline): Uncertain significance (1 of 4 stars; one submission).

Conditions:
Joubert syndrome 23 (JBTS23). Identifiers: Orphanet 475, MedGen C4084822, MONDO:0014664, OMIM 616490.
Short-rib thoracic dysplasia 14 with polydactyly (SRTD14). Identifiers: Orphanet 397715, MedGen C4225286, MONDO:0014688, OMIM 616546.

Allele frequency attached by ClinVar (database versions not stated): gnomAD 0.00001; gnomAD exomes 0.00001; TOPMed 0.00001; ExAC 0.00004.
gnomAD v4.1: 9 of 1,613,716 alleles (0.00056%); highest among the groups gnomAD compares: Non-Finnish European, 0.00076%; no homozygotes.

Submission:

Labcorp Genetics (formerly Invitae), Labcorp
Classification: Uncertain significance for Joubert syndrome 23; Short-rib thoracic dysplasia 14 with polydactyly. Last evaluated: 2022-10-04. Review status: criteria provided, single submitter. Criteria: Invitae Variant Classification Sherloc (09022015). Collection method: clinical testing. Allele origin: germline.
Comment: This sequence change replaces threonine, which is neutral and polar, with isoleucine, which is neutral and non-polar, at codon 1288 of the KIAA0586 protein (p.Thr1288Ile). This variant is present in population databases (rs777311587, gnomAD 0.006%). This variant has not been reported in the literature in individuals affected with KIAA0586-related conditions. Advanced modeling of protein sequence and biophysical properties (such as structural, functional, and spatial information, amino acid conservation, physicochemical variation, residue mobility, and thermodynamic stability) performed at Invitae indicates that this missense variant is expected to disrupt KIAA0586 protein function. In summary, the available evidence is currently insufficient to determine the role of this variant in disease. Therefore, it has been classified as a Variant of Uncertain Significance.